The following is an entry in ClinVar:

ClinVar aggregate classification (germline): Likely pathogenic (1 of 4 stars; one submission).

Conditions:
SLC5A2-related disorder. Also called: SLC5A2-related condition.

Submission:

PreventionGenetics, part of Exact Sciences
Classification: Likely pathogenic for SLC5A2-related condition. Last evaluated: 2023-07-20. Review status: criteria provided, single submitter. Criteria: ACMG Guidelines, 2015. Collection method: clinical testing. Allele origin: germline.
Comment: The SLC5A2 c.1407delC variant is predicted to result in a frameshift and premature protein termination (p.Val470Serfs*25). To our knowledge, this variant has not been reported in the literature. This variant is reported in 0.0027% of alleles in individuals of European (Non-Finnish) descent in gnomAD. Frameshift variants in SLC5A2 are expected to be pathogenic. This variant is interpreted as likely pathogenic.

NM_003041.4(SLC5A2):c.1407del (p.Val470fs)

Gene: SLC5A2 (solute carrier family 5 member 2; plus strand). Cytogenetic location: 16p11.2.
Variant type: Deletion.
Coding change: c.1407del on transcript NM_003041.4 (MANE Select); coding-DNA position 1407, one base deleted (C; older notation c.1407delC).
Protein change: p.Val470fs; shifts the reading frame from valine 470.
Molecular consequence: frameshift variant.
Genome position (GRCh38, 1-based): chr16:31,489,006, C deleted; the last of 2 consecutive C bases (chr16:31,489,005-31,489,006); deleting either gives the same sequence. VCF-style (leftmost placement, unchanged base first): chr16-31489004-GC-G. GRCh37 (hg19) VCF-style: chr16-31500325-GC-G.
Other names: short protein forms V470fs.
Identifiers: ClinVar variation 2636558 (VCV002636558.1), dbSNP rs767121482, ClinGen allele CA8031128.
Genomic context (GRCh38, chr16:31,489,004, plus strand): 5'-GGCGGGCAGCTCTTCGATTACATCCAGGCAGTCTCTAGCTACCTGGCACCGCCCGTGTCC[GC>G]CGTCTTCGTGCTGGCGCTCTTCGTGCCGCGCGTTAATGAGCAGGTGAGCGGCACGCGCGT-3'